The following is an entry in ClinVar:

ClinVar aggregate classification (germline): Conflicting classifications of pathogenicity. Review status: criteria provided, conflicting classifications (1 of 4 stars). 2 submissions from 2 submitters: Uncertain significance (1); Likely benign (1). Last evaluated 2025-06-29.

Conditions:
Emery-Dreifuss muscular dystrophy (EDMD). Also called: Scapuloperoneal syndrome, X-linked (formerly); Humeroperoneal neuromuscular disease, (formerly). Identifiers: Orphanet 261, MedGen C0410189, MONDO:0016830.

Allele frequency attached by ClinVar (database versions not stated): TOPMed 0.00002; ExAC 0.00004; gnomAD 0.00004; gnomAD exomes 0.00004.
gnomAD v4.1: 63 of 1,614,014 alleles (0.0039%); highest among the groups gnomAD compares: Non-Finnish European, 0.0052%; no homozygotes.

Submissions (2):

Ambry Genetics
Classification: Likely benign. Last evaluated: 2025-06-29. Review status: criteria provided, single submitter. Criteria: Ambry Variant Classification Scheme 2023. Collection method: clinical testing. Allele origin: germline.

Labcorp Genetics (formerly Invitae), Labcorp
Classification: Uncertain significance for Emery-Dreifuss muscular dystrophy. Last evaluated: 2025-03-01. Review status: criteria provided, single submitter. Criteria: Invitae Variant Classification Sherloc (09022015). Collection method: clinical testing. Allele origin: germline.
Comment: This sequence change replaces methionine, which is neutral and non-polar, with isoleucine, which is neutral and non-polar, at codon 641 of the SUN1 protein (p.Met641Ile). This variant is present in population databases (rs750658890, gnomAD 0.009%). This variant has not been reported in the literature in individuals affected with SUN1-related conditions. ClinVar contains an entry for this variant (Variation ID: 1356913). An algorithm developed to predict the effect of missense changes on protein structure and function outputs the following: PolyPhen-2: "Benign". The isoleucine amino acid residue is found in multiple mammalian species, which suggests that this missense change does not adversely affect protein function. In summary, the available evidence is currently insufficient to determine the role of this variant in disease. Therefore, it has been classified as a Variant of Uncertain Significance.

NM_001130965.3(SUN1):c.1923G>A (p.Met641Ile)

Gene: SUN1 (Sad1 and UNC84 domain containing 1; plus strand). Cytogenetic location: 7p22.3.
Variant type: single nucleotide variant.
Coding change: c.1923G>A on transcript NM_001130965.3 (MANE Select); coding-DNA position 1923, G replaced by A.
Protein change: p.Met641Ile; replaces methionine 641 with isoleucine.
Molecular consequence: missense variant. On other transcripts: non-coding transcript variant (3).
Genome position (GRCh38, 1-based): chr7:866,010, G>A. VCF-style: chr7-866010-G-A. GRCh37 (hg19) VCF-style: chr7-905647-G-A.
Other names: c.2007G>A, p.Met669Ile (NM_001367683.1); c.2082G>A, p.Met694Ile (NM_001367684.1); c.2034G>A, p.Met678Ile (NM_001367685.1, NM_001367664.1); c.1755G>A, p.Met585Ile (NM_001367686.1); c.2004G>A, p.Met668Ile (NM_001367688.1); c.1884G>A, p.Met628Ile (NM_001367689.1, NM_001367667.1); c.2214G>A, p.Met738Ile (NM_001367690.1); c.2163G>A, p.Met721Ile (NM_001367691.1, NM_001367636.1); and 44 more; short protein forms M403I, M524I, M538I, M585I, M595I, M618I, M627I, M636I.
Identifiers: ClinVar variation 1356913 (VCV001356913.7), dbSNP rs750658890, ClinGen allele CA4112430.